The following is an entry in ClinVar:

ClinVar aggregate classification (germline): Uncertain significance. Review status: criteria provided, multiple submitters, no conflicts (2 of 4 stars). 2 submissions from 2 submitters: Uncertain significance (2). Last evaluated 2026-02-03.

Conditions:
Autoinflammatory syndrome. Identifiers: Orphanet 93665, MedGen C3890737, MONDO:0019751.
Familial cold autoinflammatory syndrome 2 (FCAS2). Identifiers: Orphanet 247868, MedGen C2673198, MONDO:0012724, OMIM 611762.

Allele frequency attached by ClinVar (database versions not stated): gnomAD exomes 0.00002 and 0.00008; TOPMed 0.00003; gnomAD 0.00005 and 0.00006; ExAC 0.00007.
gnomAD v4.1: 55 of 1,614,056 alleles (0.0034%); highest among the groups gnomAD compares: East Asian, 0.022%; no homozygotes.

Submissions (2):

Labcorp Genetics (formerly Invitae), Labcorp
Classification: Uncertain significance for Familial cold autoinflammatory syndrome 2. Last evaluated: 2026-02-03. Review status: criteria provided, single submitter. Criteria: Invitae Variant Classification Sherloc (09022015). Collection method: clinical testing. Allele origin: germline.
Comment: This sequence change replaces arginine, which is basic and polar, with tryptophan, which is neutral and slightly polar, at codon 795 of the NLRP12 protein (p.Arg795Trp). This variant is present in population databases (rs762384329, gnomAD 0.03%). This variant has not been reported in the literature in individuals affected with NLRP12-related conditions. ClinVar contains an entry for this variant (Variation ID: 964977). Invitae Evidence Modeling of protein sequence and biophysical properties (such as structural, functional, and spatial information, amino acid conservation, physicochemical variation, residue mobility, and thermodynamic stability) indicates that this missense variant is not expected to disrupt NLRP12 protein function with a negative predictive value of 80%. In summary, the available evidence is currently insufficient to determine the role of this variant in disease. Therefore, it has been classified as a Variant of Uncertain Significance.

Genome Diagnostics Laboratory, The Hospital for Sick Children
Classification: Uncertain significance for Autoinflammatory syndrome. Last evaluated: 2017-11-01. Review status: criteria provided, single submitter. Criteria: ACMG Guidelines, 2015. Collection method: clinical testing. Allele origin: germline. Affected: yes.

NM_144687.4(NLRP12):c.2383C>T (p.Arg795Trp)

Gene: NLRP12 (NLR family pyrin domain containing 12; minus strand). Cytogenetic location: 19q13.42.
Variant type: single nucleotide variant.
Coding change: c.2383C>T on transcript NM_144687.4 (MANE Select); coding-DNA position 2383, C replaced by T.
Protein change: p.Arg795Trp; replaces arginine 795 with tryptophan.
Molecular consequence: missense variant.
Genome position (GRCh38, 1-based): chr19:53,805,311, G>A on the plus strand (C>T on the coding strand, the complement: NLRP12 is on the minus strand). VCF-style: chr19-53805311-G-A. GRCh37 (hg19) VCF-style: chr19-54308565-G-A.
Other names: c.2386C>T, p.Arg796Trp (NM_001277126.2); c.2383C>T, p.Arg795Trp (NM_001277129.1); short protein forms R795W, R796W.
Identifiers: ClinVar variation 964977 (VCV000964977.12), dbSNP rs762384329, ClinGen allele CA9639104.